The following is an entry in ClinVar:

ClinVar aggregate classification (germline): Uncertain significance (1 of 4 stars; one submission).

Conditions:
Familial thoracic aortic aneurysm and aortic dissection (TAAD). Also called: Thoracic aortic aneurysms and dissections. Identifiers: Orphanet 91387, MedGen C4707243, MONDO:0019625.

Submission:

Ambry Genetics
Classification: Uncertain significance for Familial thoracic aortic aneurysm and aortic dissection. Last evaluated: 2022-07-27. Review status: criteria provided, single submitter. Criteria: Ambry Variant Classification Scheme 2023. Collection method: clinical testing. Allele origin: germline.
Comment: The p.A686S variant (also known as c.2056G>T), located in coding exon 7 of the SKI gene, results from a G to T substitution at nucleotide position 2056. The alanine at codon 686 is replaced by serine, an amino acid with similar properties. This amino acid position is conserved. In addition, the in silico prediction for this alteration is inconclusive. Since supporting evidence is limited at this time, the clinical significance of this alteration remains unclear.

NM_003036.4(SKI):c.2056G>T (p.Ala686Ser)

Gene: SKI (SKI proto-oncogene; plus strand). Cytogenetic location: 1p36.32.
Variant type: single nucleotide variant.
Coding change: c.2056G>T on transcript NM_003036.4 (MANE Select); coding-DNA position 2056, G replaced by T.
Protein change: p.Ala686Ser; replaces alanine 686 with serine.
Molecular consequence: missense variant.
Genome position (GRCh38, 1-based): chr1:2,306,634, G>T. VCF-style: chr1-2306634-G-T. GRCh37 (hg19) VCF-style: chr1-2238073-G-T.
Other names: short protein forms A686S.
Identifiers: ClinVar variation 1785140 (VCV001785140.2), dbSNP rs756553942, ClinGen allele CA337959645.